The following is an entry in ClinVar:

ClinVar aggregate classification (germline): Uncertain significance (1 of 4 stars; one submission).

Conditions:
Hypertrophic cardiomyopathy. Also called: HYPERTROPHIC MYOCARDIOPATHY. Identifiers: Orphanet 217569, MedGen C0007194, MeSH D002312, MONDO:0005045, HP:0001639.

Submission:

Labcorp Genetics (formerly Invitae), Labcorp
Classification: Uncertain significance for Hypertrophic cardiomyopathy. Last evaluated: 2024-04-25. Review status: criteria provided, single submitter. Criteria: Invitae Variant Classification Sherloc (09022015). Collection method: clinical testing. Allele origin: germline.
Comment: This sequence change affects an acceptor splice site in intron 31 of the MYH7 gene. It is expected to disrupt RNA splicing. Variants that disrupt the donor or acceptor splice site typically lead to a loss of protein function (PMID: 16199547), however the current clinical and genetic evidence is not sufficient to establish whether loss-of-function variants in MYH7 cause disease. This variant is not present in population databases (gnomAD no frequency). Disruption of this splice site has been observed in individual(s) with MYH7-related conditions (PMID: 33500567). Algorithms developed to predict the effect of sequence changes on RNA splicing suggest that this variant may disrupt the consensus splice site. In summary, the available evidence is currently insufficient to determine the role of this variant in disease. Therefore, it has been classified as a Variant of Uncertain Significance.

Literature cited by the submitters: PubMed 16199547; PubMed 33500567.

NM_000257.4(MYH7):c.4354-2A>G

Genes: MHRT (myosin heavy chain associated RNA transcript; plus strand), MYH7 (myosin heavy chain 7; minus strand). Cytogenetic location: 14q11.2.
Variant type: single nucleotide variant.
Coding change: c.4354-2A>G on transcript NM_000257.4 (MANE Select); the canonical splice acceptor site of the intron before coding-DNA position 4354, A replaced by G.
Molecular consequence: splice acceptor variant. On other transcripts: non-coding transcript variant (1).
Genome position (GRCh38, 1-based): chr14:23,417,320, T>C on the plus strand (A>G on the coding strand, the complement: MYH7 is on the minus strand). VCF-style: chr14-23417320-T-C. GRCh37 (hg19) VCF-style: chr14-23886529-T-C.
Other names: c.4354-2A>G (NM_001407004.1).
Identifiers: ClinVar variation 3650829 (VCV003650829.2).
Genomic context (GRCh38, chr14:23,417,320, plus strand): 5'-TGCGAGGACTCCAGCTCCGACTGCGACTCCTCATACTTCTGCTTCCACTCGGCCAGGATC[T>C]GCCCGGGGACAAGGCTCACTCTTCAGCCCCCCAGCCTCAGCCCCATGTCCAGGGTCTGTC-3'